The following is an entry in ClinVar:

ClinVar aggregate classification (germline): Uncertain significance (1 of 4 stars; one submission).

Conditions:
Hereditary sensory and autonomic neuropathy type 6. Also called: HSAN VI; Neuropathy, hereditary sensory and autonomic, type VI. Identifiers: Orphanet 314381, MedGen C3539003, MONDO:0013839, OMIM 614653.
Epidermolysis bullosa simplex 3, localized or generalized intermediate, with BP230 deficiency (EBS3). Also called: Epidermolysis bullosa simplex, autosomal recessive 2; Epidermolysis bullosa simplex due to BP230 deficiency. Identifiers: Orphanet 412181, MedGen C3809470, MONDO:0014180, OMIM 615425.

Allele frequency attached by ClinVar (database versions not stated): gnomAD exomes below 0.00001; gnomAD 0.00001.
gnomAD v4.1: 2 of 1,612,704 alleles (0.00012%); highest among the groups gnomAD compares: Non-Finnish European, 0.00017%; no homozygotes.

Submission:

Labcorp Genetics (formerly Invitae), Labcorp
Classification: Uncertain significance for Epidermolysis bullosa simplex 3, localized or generalized intermediate, with BP230 deficiency; Hereditary sensory and autonomic neuropathy type 6. Last evaluated: 2020-06-17. Review status: criteria provided, single submitter. Criteria: Invitae Variant Classification Sherloc (09022015). Collection method: clinical testing. Allele origin: germline.
Comment: This sequence change replaces threonine with serine at codon 3984 of the DST protein (p.Thr3984Ser). The threonine residue is highly conserved and there is a small physicochemical difference between the two amino acids. The DST gene has multiple clinically relevant transcripts. This variant occurs in alternate transcript NM_015548.4, and corresponds to NM_001723.5:c.*114361C>G in the primary transcript. In summary, the available evidence is currently insufficient to determine the role of this variant in disease. Therefore, it has been classified as a Variant of Uncertain Significance. Algorithms developed to predict the effect of sequence changes on RNA splicing suggest that this variant may create or strengthen a splice site, but this prediction has not been confirmed by published transcriptional studies. This variant has not been reported in the literature in individuals with DST-related conditions. This variant is not present in population databases (ExAC no frequency).

NM_001374736.1(DST):c.19820C>G (p.Thr6607Ser)

Gene: DST (dystonin; minus strand). Cytogenetic location: 6p12.1.
Variant type: single nucleotide variant.
Coding change: c.19820C>G on transcript NM_001374736.1 (MANE Select); coding-DNA position 19820, C replaced by G.
Protein change: p.Thr6607Ser; replaces threonine 6607 with serine.
Molecular consequence: missense variant.
Genome position (GRCh38, 1-based): chr6:56,501,156, G>C on the plus strand (C>G on the coding strand, the complement: DST is on the minus strand). VCF-style: chr6-56501156-G-C. GRCh37 (hg19) VCF-style: chr6-56365954-G-C.
Other names: c.13463C>G, p.Thr4488Ser (NM_001144769.5); c.13049C>G, p.Thr4350Ser (NM_001144770.2); c.19820C>G, p.Thr6607Ser (NM_001374722.1); c.18860C>G, p.Thr6287Ser (NM_001374729.1); c.12602C>G, p.Thr4201Ser (NM_001374730.1); c.19847C>G, p.Thr6616Ser (NM_001374734.1); c.12929C>G, p.Thr4310Ser (NM_001386100.1, NM_183380.4); c.11951C>G, p.Thr3984Ser (NM_015548.5); short protein forms T3984S, T4201S, T4310S, T4350S, T4488S, T6287S, T6607S, T6616S.
Identifiers: ClinVar variation 1025768 (VCV001025768.7), dbSNP rs911141337, ClinGen allele CA364520165.